The following is an entry in ClinVar:

ClinVar aggregate classification (germline): Uncertain significance. Review status: criteria provided, multiple submitters, no conflicts (2 of 4 stars). 4 submissions from 4 submitters: Uncertain significance (4). Last evaluated 2025-11-04.

Conditions:
Hereditary nonpolyposis colorectal neoplasms. Identifiers: MedGen C0009405, MeSH D003123.
Hereditary cancer-predisposing syndrome. Also called: Hereditary Cancer Syndrome; Tumor predisposition; Neoplastic Syndromes, Hereditary; Hereditary neoplastic syndrome. Identifiers: Orphanet 140162, MedGen C0027672, MeSH D009386, MONDO:0015356.
Lynch syndrome. Identifiers: Orphanet 144, MedGen C4552100, MONDO:0005835. Disease mechanism: loss of function.

gnomAD v4.1: 1 of 1,614,094 alleles (0.000062%); highest among the groups gnomAD compares: Non-Finnish European, 0.000085%; no homozygotes.

Submissions (4):

Color Diagnostics, LLC DBA Color Health
Classification: Uncertain significance for Hereditary cancer-predisposing syndrome. Last evaluated: 2025-11-04. Review status: criteria provided, single submitter. Criteria: ACMG Guidelines, 2015. Collection method: clinical testing. Allele origin: germline.
Comment: This missense variant replaces aspartic acid with histidine at codon 1171 of the MSH6 protein. Computational prediction suggests that this variant may have deleterious impact on protein structure and function. To our knowledge, functional studies have not been reported for this variant. This variant has not been reported in individuals affected with MSH6-related disorders in the literature. This variant has not been identified in the general population by the Genome Aggregation Database (gnomAD). The available evidence is insufficient to determine the role of this variant in disease conclusively. Therefore, this variant is classified as a Variant of Uncertain Significance.

All of Us Research Program, National Institutes of Health
Classification: Uncertain significance for Lynch syndrome. Last evaluated: 2024-09-23. Review status: criteria provided, single submitter. Criteria: ACMG Guidelines, 2015. Collection method: clinical testing. Allele origin: germline. Inheritance: Autosomal dominant inheritance. Observed: 1 variant allele, 1 heterozygote.
Comment: This missense variant replaces aspartic acid with histidine at codon 1171 of the MSH6 protein. Computational prediction suggests that this variant may have deleterious impact on protein structure and function (internally defined REVEL score threshold >= 0.7, PMID: 27666373). To our knowledge, functional studies have not been reported for this variant. This variant has not been reported in individuals affected with MSH6-related disorders in the literature. This variant has not been identified in the general population by the Genome Aggregation Database (gnomAD). The available evidence is insufficient to determine the role of this variant in disease conclusively. Therefore, this variant is classified as a Variant of Uncertain Significance.

This study involves interpretation of variants in research participants for the purpose of population health screening. Participant phenotype was not available at the time of variant classification. Additional details can be found in publication PMID: 35346344, PMCID: PMC8962531

Ambry Genetics
Classification: Uncertain significance for Hereditary cancer-predisposing syndrome. Last evaluated: 2024-06-07. Review status: criteria provided, single submitter. Criteria: Ambry Variant Classification Scheme 2023. Collection method: clinical testing. Allele origin: germline.
Comment: The p.D1171H variant (also known as c.3511G>C), located in coding exon 6 of the MSH6 gene, results from a G to C substitution at nucleotide position 3511. The aspartic acid at codon 1171 is replaced by histidine, an amino acid with similar properties. This amino acid position is highly conserved in available vertebrate species. In addition, this alteration is predicted to be deleterious by in silico analysis. Based on the available evidence, the clinical significance of this variant remains unclear.

Labcorp Genetics (formerly Invitae), Labcorp
Classification: Uncertain significance for Hereditary nonpolyposis colorectal neoplasms. Last evaluated: 2023-12-11. Review status: criteria provided, single submitter. Criteria: Invitae Variant Classification Sherloc (09022015). Collection method: clinical testing. Allele origin: germline.
Comment: This sequence change replaces aspartic acid, which is acidic and polar, with histidine, which is basic and polar, at codon 1171 of the MSH6 protein (p.Asp1171His). This variant is not present in population databases (gnomAD no frequency). This variant has not been reported in the literature in individuals affected with MSH6-related conditions. ClinVar contains an entry for this variant (Variation ID: 1015364). Advanced modeling of protein sequence and biophysical properties (such as structural, functional, and spatial information, amino acid conservation, physicochemical variation, residue mobility, and thermodynamic stability) performed at Invitae indicates that this missense variant is expected to disrupt MSH6 protein function with a positive predictive value of 80%. In summary, the available evidence is currently insufficient to determine the role of this variant in disease. Therefore, it has been classified as a Variant of Uncertain Significance.

NM_000179.3(MSH6):c.3511G>C (p.Asp1171His)

Gene: MSH6 (mutS homolog 6; plus strand). Cytogenetic location: 2p16.3.
Variant type: single nucleotide variant.
Coding change: c.3511G>C on transcript NM_000179.3 (MANE Select); coding-DNA position 3511, G replaced by C.
Protein change: p.Asp1171His; replaces aspartic acid 1171 with histidine.
Molecular consequence: missense variant.
Genome position (GRCh38, 1-based): chr2:47,804,982, G>C. VCF-style: chr2-47804982-G-C. GRCh37 (hg19) VCF-style: chr2-48032121-G-C.
Other names: c.3121G>C, p.Asp1041His (NM_001281492.2); c.2605G>C, p.Asp869His (NM_001281493.2, NM_001281494.2); short protein forms D1041H, D1171H, D869H.
Identifiers: ClinVar variation 1015364 (VCV001015364.13), dbSNP rs1669874241, ClinGen allele CA346760191.